The following is an entry in ClinVar:

NM_000368.5(TSC1):c.1603C>G (p.Pro535Ala)

Gene: TSC1 (TSC complex subunit 1; minus strand). Cytogenetic location: 9q34.13.
Variant type: single nucleotide variant.
Coding change: c.1603C>G on transcript NM_000368.5 (MANE Select); coding-DNA position 1603, C replaced by G.
Protein change: p.Pro535Ala; replaces proline 535 with alanine.
Molecular consequence: missense variant.
Genome position (GRCh38, 1-based): chr9:132,905,975, G>C on the plus strand (C>G on the coding strand, the complement: TSC1 is on the minus strand). VCF-style: chr9-132905975-G-C. GRCh37 (hg19) VCF-style: chr9-135781362-G-C.
Other names: c.1603C>G, p.Pro535Ala (NM_001406607.1, NM_001406592.1, NM_001406593.1 and 7 more transcripts); c.1600C>G, p.Pro534Ala (NM_001406609.1, NM_001406608.1, NM_001162426.2 and 6 more transcripts); c.1447C>G, p.Pro483Ala (NM_001406613.1, NM_001406611.1, NM_001406612.1); c.1240C>G, p.Pro414Ala (NM_001406614.1, NM_001406615.1, NM_001406616.1 and 5 more transcripts); c.1450C>G, p.Pro484Ala (NM_001406610.1, NM_001162427.2); c.1237C>G, p.Pro413Ala (NM_001406620.1, NM_001406621.1, NM_001406622.1 and 2 more transcripts); c.652C>G, p.Pro218Ala (NM_001406626.1); c.649C>G, p.Pro217Ala (NM_001406627.1, NM_001406628.1); and 1 more; short protein forms P218A, P483A, P484A, P534A, P413A, P535A, P184A, P217A.
Identifiers: ClinVar variation 1776219 (VCV001776219.3), dbSNP rs1235168127, ClinGen allele CA375364775.
Genomic context (GRCh38, chr9:132,905,975, plus strand): 5'-TGGGAGTAAAGGCTTGCTTTGGTGTGTCAGGCCCAAGCTTGTCCAGGGAGGAGTGTAAAG[G>C]CTCAGGGTTCACGCTGGCGCCCTGAGAACTGGAGGCTGCCGAGTGGGTCTTCCGCTGAGA-3'
Protein context (NP_000359.1, residues 525-545): SSQGASVNPE[Pro535Ala]LHSSLDKLGP

ClinVar aggregate classification (germline): Uncertain significance (1 of 4 stars; one submission).

Conditions:
Hereditary cancer-predisposing syndrome. Also called: Neoplastic Syndromes, Hereditary; Tumor predisposition; Hereditary Cancer Syndrome; Hereditary neoplastic syndrome. Identifiers: Orphanet 140162, MedGen C0027672, MeSH D009386, MONDO:0015356.

Allele frequency attached by ClinVar (database versions not stated): TOPMed below 0.00001; gnomAD 0.00001.
gnomAD v4.1: 27 of 1,614,020 alleles (0.0017%); highest among the groups gnomAD compares: Non-Finnish European, 0.0022%; no homozygotes.

Submission:

Ambry Genetics
Classification: Uncertain significance for Hereditary cancer-predisposing syndrome. Last evaluated: 2024-03-20. Review status: criteria provided, single submitter. Criteria: Ambry Variant Classification Scheme 2023. Collection method: clinical testing. Allele origin: germline.
Comment: The p.P535A variant (also known as c.1603C>G), located in coding exon 13 of the TSC1 gene, results from a C to G substitution at nucleotide position 1603. The proline at codon 535 is replaced by alanine, an amino acid with highly similar properties. This amino acid position is conserved. In addition, the in silico prediction for this alteration is inconclusive. Since supporting evidence is limited at this time, the clinical significance of this alteration remains unclear.